The following is an entry in ClinVar:

ClinVar aggregate classification (germline): Uncertain significance. Review status: criteria provided, multiple submitters, no conflicts (2 of 4 stars). 2 submissions from 2 submitters: Uncertain significance (2). Last evaluated 2026-01-27.

Conditions:
IKZF1-related disorder. Also called: IKZF1-related condition.

Allele frequency attached by ClinVar (database versions not stated): gnomAD 0.00004; TOPMed 0.00003; ExAC 0.00004.
gnomAD v4.1: 92 of 1,562,786 alleles (0.0059%); highest among the groups gnomAD compares: Non-Finnish European, 0.0077%; no homozygotes.

Submissions (2):

Labcorp Genetics (formerly Invitae), Labcorp
Classification: Uncertain significance. Last evaluated: 2026-01-27. Review status: criteria provided, single submitter. Criteria: Invitae Variant Classification Sherloc (09022015). Collection method: clinical testing. Allele origin: germline.
Comment: This sequence change replaces proline, which is neutral and non-polar, with serine, which is neutral and polar, at codon 353 of the IKZF1 protein (p.Pro353Ser). This variant is present in population databases (rs766490909, gnomAD 0.009%). This variant has not been reported in the literature in individuals affected with IKZF1-related conditions. ClinVar contains an entry for this variant (Variation ID: 1972156). An algorithm developed to predict the effect of missense changes on protein structure and function (PolyPhen-2) suggests that this variant is likely to be tolerated. In summary, the available evidence is currently insufficient to determine the role of this variant in disease. Therefore, it has been classified as a Variant of Uncertain Significance.

PreventionGenetics, part of Exact Sciences
Classification: Uncertain significance for IKZF1-related condition. Last evaluated: 2023-08-20. Review status: criteria provided, single submitter. Criteria: ACMG Guidelines, 2015. Collection method: clinical testing. Allele origin: germline.
Comment: The IKZF1 c.1057C>T variant is predicted to result in the amino acid substitution p.Pro353Ser. To our knowledge, this variant has not been reported in the literature. This variant is reported in 0.0082% of alleles in individuals of European (Non-Finnish) descent in gnomAD. At this time, the clinical significance of this variant is uncertain due to the absence of conclusive functional and genetic evidence.

NM_006060.6(IKZF1):c.1057C>T (p.Pro353Ser)

Gene: IKZF1 (IKAROS family zinc finger 1; plus strand). Cytogenetic location: 7p12.2.
Variant type: single nucleotide variant.
Coding change: c.1057C>T on transcript NM_006060.6 (MANE Select); coding-DNA position 1057, C replaced by T.
Protein change: p.Pro353Ser; replaces proline 353 with serine.
Molecular consequence: missense variant.
Genome position (GRCh38, 1-based): chr7:50,400,124, C>T. VCF-style: chr7-50400124-C-T. GRCh37 (hg19) VCF-style: chr7-50467822-C-T.
Other names: c.931C>T, p.Pro311Ser (NM_001220765.3, NM_001291837.2); c.766C>T, p.Pro256Ser (NM_001220767.2); c.796C>T, p.Pro266Ser (NM_001220768.2, NM_001291838.2); c.640C>T, p.Pro214Ser (NM_001220770.2); c.628C>T, p.Pro210Ser (NM_001220771.2, NM_001291841.1); c.670C>T, p.Pro224Ser (NM_001291839.2); c.367C>T, p.Pro123Ser (NM_001291840.1); c.598C>T, p.Pro200Ser (NM_001291842.1); and 4 more; short protein forms P123S, P158S, P210S, P214S, P224S, P168S, P266S, P311S.
Identifiers: ClinVar variation 1972156 (VCV001972156.6), dbSNP rs766490909, ClinGen allele CA4261455.